The following is an entry in ClinVar:

NM_001220.5(CAMK2B):c.1226C>T (p.Ala409Val)

Gene: CAMK2B (calcium/calmodulin dependent protein kinase II beta; minus strand). Cytogenetic location: 7p13.
Variant type: single nucleotide variant.
Coding change: c.1226C>T on transcript NM_001220.5 (MANE Select); coding-DNA position 1226, C replaced by T.
Protein change: p.Ala409Val; replaces alanine 409 with valine.
Molecular consequence: missense variant. On other transcripts: intron variant (8).
Genome position (GRCh38, 1-based): chr7:44,229,501, G>A on the plus strand (C>T on the coding strand, the complement: CAMK2B is on the minus strand). VCF-style: chr7-44229501-G-A. GRCh37 (hg19) VCF-style: chr7-44269100-G-A.
Other names: c.947-8600C>T (NM_172084.3); c.1150+1505C>T (NM_172080.3); c.1036+1505C>T (NM_172083.3); c.1108+1505C>T (NM_172081.3); c.1153+1505C>T (NM_172079.3, NM_172082.3); c.1225+1505C>T (NM_001293170.2, NM_172078.3); short protein forms A409V.
Identifiers: ClinVar variation 2126179 (VCV002126179.4), dbSNP rs2096557355, ClinGen allele CA367374854.

ClinVar aggregate classification (germline): Uncertain significance (1 of 4 stars; one submission).

gnomAD v4.1: 3 of 1,420,202 alleles (0.00021%); highest among the groups gnomAD compares: East Asian, 0.0029%; no homozygotes.

Submission:

Labcorp Genetics (formerly Invitae), Labcorp
Classification: Uncertain significance. Last evaluated: 2023-02-01. Review status: criteria provided, single submitter. Criteria: Invitae Variant Classification Sherloc (09022015). Collection method: clinical testing. Allele origin: germline.
Comment: This variant has not been reported in the literature in individuals affected with CAMK2B-related conditions. This variant is not present in population databases (gnomAD no frequency). This sequence change replaces alanine, which is neutral and non-polar, with valine, which is neutral and non-polar, at codon 409 of the CAMK2B protein (p.Ala409Val). Algorithms developed to predict the effect of missense changes on protein structure and function output the following: SIFT: "Deleterious"; PolyPhen-2: "Benign"; Align-GVGD: "Class C55". The valine amino acid residue is found in multiple mammalian species, which suggests that this missense change does not adversely affect protein function. In summary, the available evidence is currently insufficient to determine the role of this variant in disease. Therefore, it has been classified as a Variant of Uncertain Significance.